The following is an entry in ClinVar:

ClinVar aggregate classification (germline): Uncertain significance. Review status: criteria provided, multiple submitters, no conflicts (2 of 4 stars). 2 submissions from 2 submitters: Uncertain significance (2). Last evaluated 2024-05-30.

Conditions:
Combined immunodeficiency and megaloblastic anemia with or without hyperhomocysteinemia. Also called: METHYLENETETRAHYDROFOLATE DEHYDROGENASE 1 DEFICIENCY; COMBINED IMMUNODEFICIENCY AND MEGALOBLASTIC ANEMIA. Identifiers: Orphanet 658813, MedGen C4540434, MONDO:0060611, OMIM 617780.
Neural tube defects, folate-sensitive (NTDFS). Also called: NTD, FOLATE-SENSITIVE. Identifiers: Orphanet 823, MedGen C1866558, MONDO:0011120, OMIM 601634.

Allele frequency attached by ClinVar (database versions not stated): ExAC 0.00002; TOPMed 0.00001; gnomAD 0.00002.
gnomAD v4.1: 45 of 1,613,808 alleles (0.0028%); highest among the groups gnomAD compares: Non-Finnish European, 0.0032%; no homozygotes.

Submissions (2):

Fulgent Genetics
Classification: Uncertain significance for Neural tube defects, folate-sensitive; Combined immunodeficiency and megaloblastic anemia with or without hyperhomocysteinemia. Last evaluated: 2024-05-30. Review status: criteria provided, single submitter. Criteria: ACMG Guidelines, 2015. Collection method: clinical testing. Allele origin: germline.

Labcorp Genetics (formerly Invitae), Labcorp
Classification: Uncertain significance. Last evaluated: 2022-05-14. Review status: criteria provided, single submitter. Criteria: Invitae Variant Classification Sherloc (09022015). Collection method: clinical testing. Allele origin: germline.
Comment: Algorithms developed to predict the effect of missense changes on protein structure and function are either unavailable or do not agree on the potential impact of this missense change (SIFT: "Deleterious"; PolyPhen-2: "Benign"; Align-GVGD: "Class C0"). This variant has not been reported in the literature in individuals affected with MTHFD1-related conditions. This variant is present in population databases (rs746400551, gnomAD 0.004%). This sequence change replaces isoleucine, which is neutral and non-polar, with valine, which is neutral and non-polar, at codon 862 of the MTHFD1 protein (p.Ile862Val). In summary, the available evidence is currently insufficient to determine the role of this variant in disease. Therefore, it has been classified as a Variant of Uncertain Significance.

NM_005956.4(MTHFD1):c.2584A>G (p.Ile862Val)

Genes: MTHFD1 (methylenetetrahydrofolate dehydrogenase, cyclohydrolase and formyltetrahydrofolate synthetase 1; plus strand), ZBTB25 (zinc finger and BTB domain containing 25; minus strand). Cytogenetic location: 14q23.3.
Variant type: single nucleotide variant.
Coding change: c.2584A>G on transcript NM_005956.4 (MANE Select); coding-DNA position 2584, A replaced by G.
Protein change: p.Ile862Val; replaces isoleucine 862 with valine.
Molecular consequence: missense variant. On other transcripts: intron variant (1).
Genome position (GRCh38, 1-based): chr14:64,454,741, A>G. VCF-style: chr14-64454741-A-G. GRCh37 (hg19) VCF-style: chr14-64921459-A-G.
Other names: c.2584A>G, p.Ile862Val (NM_001364837.1); c.174-5103T>C (NM_001304508.1); short protein forms I862V.
Identifiers: ClinVar variation 2068238 (VCV002068238.4), dbSNP rs746400551, ClinGen allele CA7226644.